The following is an entry in ClinVar:

ClinVar aggregate classification (germline): Uncertain significance. Review status: criteria provided, multiple submitters, no conflicts (2 of 4 stars). 3 submissions from 3 submitters: Uncertain significance (3). Last evaluated 2023-04-22.

Conditions:
Ataxia-telangiectasia syndrome (AT). Also called: Ataxia telangiectasia (A-T); ATAXIA-TELANGIECTASIA, COMPLEMENTATION GROUP A; ATAXIA-TELANGIECTASIA, FRESNO VARIANT; Ataxia-telangiectasia, complementation group D; AT, COMPLEMENTATION GROUP C; Ataxia-telangiectasia, complementation group E. Identifiers: Orphanet 100, MedGen C0004135, MONDO:0008840, OMIM 208900.
Hereditary cancer-predisposing syndrome. Also called: Hereditary neoplastic syndrome; Neoplastic Syndromes, Hereditary; Hereditary Cancer Syndrome; Tumor predisposition. Identifiers: Orphanet 140162, MedGen C0027672, MeSH D009386, MONDO:0015356.

Submissions (3):

Labcorp Genetics (formerly Invitae), Labcorp
Classification: Uncertain significance for Ataxia-telangiectasia syndrome. Last evaluated: 2023-04-22. Review status: criteria provided, single submitter. Criteria: Invitae Variant Classification Sherloc (09022015). Collection method: clinical testing. Allele origin: germline.
Comment: This variant is not present in population databases (gnomAD no frequency). In summary, the available evidence is currently insufficient to determine the role of this variant in disease. Therefore, it has been classified as a Variant of Uncertain Significance. An algorithm developed to predict the effect of missense changes on protein structure and function (PolyPhen-2) suggests that this variant is likely to be tolerated. ClinVar contains an entry for this variant (Variation ID: 1178675). This variant has not been reported in the literature in individuals affected with ATM-related conditions. This sequence change replaces aspartic acid, which is acidic and polar, with alanine, which is neutral and non-polar, at codon 1145 of the ATM protein (p.Asp1145Ala).

GeneDx
Classification: Uncertain significance. Last evaluated: 2022-08-03. Review status: criteria provided, single submitter. Criteria: GeneDx Variant Classification Process June 2021. Collection method: clinical testing. Allele origin: germline. Affected: yes.
Comment: Not observed at significant frequency in large population cohorts (gnomAD); In silico analysis supports that this missense variant has a deleterious effect on protein structure/function; Has not been previously published as pathogenic or benign to our knowledge; This variant is associated with the following publications: (PMID: 19781682)

Ambry Genetics
Classification: Uncertain significance for Hereditary cancer-predisposing syndrome. Last evaluated: 2020-05-12. Review status: criteria provided, single submitter. Criteria: Ambry Variant Classification Scheme 2023. Collection method: clinical testing. Allele origin: germline.
Comment: The p.D1145A variant (also known as c.3434A>C), located in coding exon 23 of the ATM gene, results from an A to C substitution at nucleotide position 3434. The aspartic acid at codon 1145 is replaced by alanine, an amino acid with dissimilar properties. This amino acid position is highly conserved in available vertebrate species. In addition, this alteration is predicted to be deleterious by in silico analysis. Since supporting evidence is limited at this time, the clinical significance of this alteration remains unclear.

NM_000051.4(ATM):c.3434A>C (p.Asp1145Ala)

Gene: ATM (ATM serine/threonine kinase; plus strand). Cytogenetic location: 11q22.3.
Variant type: single nucleotide variant.
Coding change: c.3434A>C on transcript NM_000051.4 (MANE Select); coding-DNA position 3434, A replaced by C.
Protein change: p.Asp1145Ala; replaces aspartic acid 1145 with alanine.
Molecular consequence: missense variant.
Genome position (GRCh38, 1-based): chr11:108,281,026, A>C. VCF-style: chr11-108281026-A-C. GRCh37 (hg19) VCF-style: chr11-108151753-A-C.
Other names: c.3434A>C, p.Asp1145Ala (NM_001351834.2); short protein forms D1145A.
Identifiers: ClinVar variation 1178675 (VCV001178675.9), dbSNP rs1183646267, ClinGen allele CA382519142.